The following is an entry in ClinVar:

NM_001851.6(COL9A1):c.647G>A (p.Gly216Asp)

Gene: COL9A1 (collagen type IX alpha 1 chain; minus strand). Cytogenetic location: 6q13.
Variant type: single nucleotide variant.
Coding change: c.647G>A on transcript NM_001851.6 (MANE Select); coding-DNA position 647, G replaced by A.
Protein change: p.Gly216Asp; replaces glycine 216 with aspartic acid.
Molecular consequence: missense variant.
Genome position (GRCh38, 1-based): chr6:70,294,216, C>T on the plus strand (G>A on the coding strand, the complement: COL9A1 is on the minus strand). VCF-style: chr6-70294216-C-T. GRCh37 (hg19) VCF-style: chr6-71003919-C-T.
Other names: c.647G>A, p.Gly216Asp (NM_001377291.1); short protein forms G216D.
Identifiers: ClinVar variation 1985961 (VCV001985961.4), dbSNP rs1391084943, ClinGen allele CA364670452.

ClinVar aggregate classification (germline): Uncertain significance (1 of 4 stars; one submission).

Allele frequency attached by ClinVar (database versions not stated): TOPMed 0.00002.
gnomAD v4.1: 1 of 1,614,042 alleles (0.000062%); highest among the groups gnomAD compares: East Asian, 0.0022%; no homozygotes.

Submission:

Labcorp Genetics (formerly Invitae), Labcorp
Classification: Uncertain significance. Last evaluated: 2022-05-05. Review status: criteria provided, single submitter. Criteria: Invitae Variant Classification Sherloc (09022015). Collection method: clinical testing. Allele origin: germline.
Comment: This variant is not present in population databases (gnomAD no frequency). This sequence change replaces glycine, which is neutral and non-polar, with aspartic acid, which is acidic and polar, at codon 216 of the COL9A1 protein (p.Gly216Asp). This variant has not been reported in the literature in individuals affected with COL9A1-related conditions. Advanced modeling of protein sequence and biophysical properties (such as structural, functional, and spatial information, amino acid conservation, physicochemical variation, residue mobility, and thermodynamic stability) performed at Invitae indicates that this missense variant is not expected to disrupt COL9A1 protein function. In summary, the available evidence is currently insufficient to determine the role of this variant in disease. Therefore, it has been classified as a Variant of Uncertain Significance.